The following is an entry in ClinVar:

NM_001065.4(TNFRSF1A):c.1057+16_1057+18del

Gene: TNFRSF1A (TNF receptor superfamily member 1A; minus strand). Cytogenetic location: 12p13.31.
Variant type: Deletion.
Coding change: c.1057+16_1057+18del on transcript NM_001065.4 (MANE Select); bases 16 to 18 of the intron after coding-DNA position 1057, 3 bases deleted (GGC; older notation c.1057+16_1057+18delGGC).
Molecular consequence: intron variant.
Genome position (GRCh38, 1-based): chr12:6,329,760-6,329,762, GCC deleted on the plus strand (GGC on the coding strand, the reverse complement: TNFRSF1A is on the minus strand); deleting any 3 consecutive bases within chr12:6,329,760-6,329,764 gives the same sequence; the c. name uses the placement nearest the transcript's 3' end. VCF-style (leftmost placement, unchanged base first): chr12-6329759-AGCC-A. GRCh37 (hg19) VCF-style: chr12-6438925-AGCC-A.
Other names: c.733+16_733+18del (NM_001346091.2); c.598+16_598+18del (NM_001346092.2); c.1057+16_1057+18delGGC (NM_001065.3).
Identifiers: ClinVar variation 512126 (VCV000512126.3), dbSNP rs1455123790, ClinGen allele CA603483418.

ClinVar aggregate classification (germline): Likely benign. Review status: criteria provided, multiple submitters, no conflicts (2 of 4 stars). 2 submissions from 2 submitters: Likely benign (2). Last evaluated 2024-12-19.

Conditions:
TNF receptor-associated periodic fever syndrome (TRAPS) (FPF). Also called: TNF receptor 1-associated periodic fever syndrome; FAMILIAL HIBERNIAN FEVER; TNF Receptor-Associated Periodic Fever Syndrome; TNF RECEPTOR-ASSOCIATED PERIODIC SYNDROME; TUMOR NECROSIS FACTOR RECEPTOR-ASSOCIATED PERIODIC SYNDROME; Autosomal Dominant Familial Periodic Fever. Identifiers: Orphanet 32960, MedGen C1275126, MONDO:0007727, OMIM 142680.

Submissions (2):

Labcorp Genetics (formerly Invitae), Labcorp
Classification: Likely benign for TNF receptor-associated periodic fever syndrome (TRAPS). Last evaluated: 2024-12-19. Review status: criteria provided, single submitter. Criteria: Invitae Variant Classification Sherloc (09022015). Collection method: clinical testing. Allele origin: germline.

GeneDx
Classification: Likely benign. Last evaluated: 2017-09-21. Review status: criteria provided, single submitter. Criteria: GeneDx Variant Classification (06012015). Collection method: clinical testing. Allele origin: germline. Affected: yes.
Comment: This variant is considered likely benign or benign based on one or more of the following criteria: it is a conservative change, it occurs at a poorly conserved position in the protein, it is predicted to be benign by multiple in silico algorithms, and/or has population frequency not consistent with disease.